The following is an entry in ClinVar:

ClinVar aggregate classification (germline): Uncertain significance (1 of 4 stars; one submission).

Allele frequency attached by ClinVar (database versions not stated): gnomAD exomes below 0.00001.
gnomAD v4.1: 1 of 1,614,106 alleles (0.000062%); highest among the groups gnomAD compares: South Asian, 0.0011%; no homozygotes.

Submission:

GeneDx
Classification: Uncertain significance. Last evaluated: 2021-04-26. Review status: criteria provided, single submitter. Criteria: GeneDx Variant Classification Process June 2021. Collection method: clinical testing. Allele origin: germline. Affected: yes.
Comment: Not observed in large population cohorts (Lek et al., 2016); In silico analysis supports that this missense variant has a deleterious effect on protein structure/function; Has not been previously published as pathogenic or benign to our knowledge

NM_001005273.3(CHD3):c.5657T>C (p.Leu1886Pro)

Gene: CHD3 (chromodomain helicase DNA binding protein 3; plus strand). Cytogenetic location: 17p13.1.
Variant type: single nucleotide variant.
Coding change: c.5657T>C on transcript NM_001005273.3 (MANE Select); coding-DNA position 5657, T replaced by C.
Protein change: p.Leu1886Pro; replaces leucine 1886 with proline.
Molecular consequence: missense variant.
Genome position (GRCh38, 1-based): chr17:7,910,494, T>C. VCF-style: chr17-7910494-T-C. GRCh37 (hg19) VCF-style: chr17-7813812-T-C.
Other names: c.5834T>C, p.Leu1945Pro (NM_001005271.3); c.5555T>C, p.Leu1852Pro (NM_005852.4); short protein forms L1852P, L1886P, L1945P.
Identifiers: ClinVar variation 1315500 (VCV001315500.2), dbSNP rs1971515823, ClinGen allele CA397950798.